The following is an entry in ClinVar:

NM_004655.4(AXIN2):c.2303_2306del (p.Tyr768fs)

Gene: AXIN2 (axin 2; minus strand). Cytogenetic location: 17q24.1.
Variant type: Microsatellite.
Coding change: c.2303_2306del on transcript NM_004655.4 (MANE Select); coding-DNA positions 2303 to 2306, 4 bases deleted (ACTT; older notation c.2303_2306delACTT).
Protein change: p.Tyr768fs; shifts the reading frame from tyrosine 768.
Molecular consequence: frameshift variant.
Genome position (GRCh38, 1-based): chr17:65,534,011-65,534,014, AAGT deleted on the plus strand (ACTT on the coding strand, the reverse complement: AXIN2 is on the minus strand); deleting any 4 consecutive bases within chr17:65,534,011-65,534,018 gives the same sequence; the c. name uses the placement nearest the transcript's 3' end. VCF-style (leftmost placement, unchanged base first): chr17-65534010-AAAGT-A. GRCh37 (hg19) VCF-style: chr17-63530128-AAAGT-A.
Other names: c.2108_2111del, p.Tyr703fs (NM_001363813.1); short protein forms Y768fs, Y703fs.
Identifiers: ClinVar variation 666073 (VCV000666073.7), dbSNP rs1598093952, ClinGen allele CA915952167.

ClinVar aggregate classification (germline): Pathogenic. Review status: criteria provided, multiple submitters, no conflicts (2 of 4 stars). 2 submissions from 2 submitters: Pathogenic (2). Last evaluated 2026-01-27.

Conditions:
Hereditary cancer-predisposing syndrome. Also called: Neoplastic Syndromes, Hereditary; Hereditary neoplastic syndrome; Tumor predisposition; Hereditary Cancer Syndrome. Identifiers: Orphanet 140162, MedGen C0027672, MeSH D009386, MONDO:0015356.
Oligodontia-cancer predisposition syndrome. Also called: TOOTH AGENESIS-COLORECTAL CANCER SYNDROME. Identifiers: Orphanet 300576, MedGen C1837750, MONDO:0012075, OMIM 608615. Disease mechanism: loss of function.

Submissions (2):

Ambry Genetics
Classification: Pathogenic for Hereditary cancer-predisposing syndrome. Last evaluated: 2026-01-27. Review status: criteria provided, single submitter. Criteria: Ambry Variant Classification Scheme 2023. Collection method: clinical testing. Allele origin: germline.
Comment: The c.2303_2306delACTT pathogenic mutation, located in coding exon 9 of the AXIN2 gene, results from a deletion of 4 nucleotides at nucleotide positions 2303 to 2306, causing a translational frameshift with a predicted alternate stop codon (p.Y768Ffs*13). This variant is considered to be rare based on population cohorts in the Genome Aggregation Database (gnomAD). This alteration is expected to result in loss of function by premature protein truncation or nonsense-mediated mRNA decay. As such, this alteration is interpreted as a disease-causing mutation.

Labcorp Genetics (formerly Invitae), Labcorp
Classification: Pathogenic for Oligodontia-cancer predisposition syndrome. Last evaluated: 2022-08-28. Review status: criteria provided, single submitter. Criteria: Invitae Variant Classification Sherloc (09022015). Collection method: clinical testing. Allele origin: germline.
Comment: For these reasons, this variant has been classified as Pathogenic. ClinVar contains an entry for this variant (Variation ID: 666073). This variant has not been reported in the literature in individuals affected with AXIN2-related conditions. This variant is not present in population databases (gnomAD no frequency). This sequence change creates a premature translational stop signal (p.Tyr768Phefs*13) in the AXIN2 gene. It is expected to result in an absent or disrupted protein product. Loss-of-function variants in AXIN2 are known to be pathogenic (PMID: 15042511, 21416598).

Literature cited by the submitters: PubMed 15042511 (cited by Labcorp Genetics (formerly Invitae), Labcorp); PubMed 21416598 (cited by Labcorp Genetics (formerly Invitae), Labcorp).